The following is an entry in ClinVar:

NM_004177.5(STX3):c.228C>T (p.Asp76=)

Gene: STX3 (syntaxin 3; plus strand). Cytogenetic location: 11q12.1.
Variant type: single nucleotide variant.
Coding change: c.228C>T on transcript NM_004177.5 (MANE Select); coding-DNA position 228, C replaced by T.
Protein change: p.Asp76=; no amino-acid change (aspartic acid 76 retained).
Molecular consequence: synonymous variant.
Genome position (GRCh38, 1-based): chr11:59,788,886, C>T. VCF-style: chr11-59788886-C-T. GRCh37 (hg19) VCF-style: chr11-59556359-C-T.
Other names: c.228C>T, p.Asp76= (NM_001178040.3).
Identifiers: ClinVar variation 1566143 (VCV001566143.11), dbSNP rs555374665, ClinGen allele CA6020781.

ClinVar aggregate classification (germline): Benign/Likely benign. Review status: criteria provided, multiple submitters, no conflicts (2 of 4 stars). 3 submissions from 3 submitters: Benign (1); Likely benign (1). 1 of the submissions does not count toward it. Last evaluated 2025-12-01.

Conditions:
STX3-related disorder. Also called: STX3-related condition.

Allele frequency attached by ClinVar (database versions not stated): TOPMed 0.00003; gnomAD 0.00011; gnomAD exomes 0.00039; 1000 Genomes Project 30x 0.00047; ExAC 0.00051; 1000 Genomes Project 0.00060.
gnomAD v4.1: 347 of 1,612,480 alleles (0.022%); highest among the groups gnomAD compares: South Asian, 0.35%; 4 homozygotes.

Submissions (3):

Labcorp Genetics (formerly Invitae), Labcorp
Classification: Benign. Last evaluated: 2025-12-01. Review status: criteria provided, single submitter. Criteria: Invitae Variant Classification Sherloc (09022015). Collection method: clinical testing. Allele origin: germline.

Blueprint Genetics
Classification: Likely benign. Last evaluated: 2024-09-05. Review status: criteria provided, single submitter. Criteria: ACMG Guidelines, 2015. Collection method: clinical testing. Allele origin: germline.

PreventionGenetics, part of Exact Sciences
Classification: Likely benign for STX3-related condition. Last evaluated: 2019-06-21. Review status: no assertion criteria provided. Collection method: clinical testing. Allele origin: germline. Not counted in ClinVar's aggregate classification.
Comment: This variant is classified as likely benign based on ACMG/AMP sequence variant interpretation guidelines (Richards et al. 2015 PMID: 25741868, with internal and published modifications).